The following is an entry in ClinVar:

NM_014476.6(PDLIM3):c.851G>A (p.Gly284Asp)

Gene: PDLIM3 (PDZ and LIM domain 3; minus strand). Cytogenetic location: 4q35.1.
Variant type: single nucleotide variant.
Coding change: c.851G>A on transcript NM_014476.6 (MANE Select); coding-DNA position 851, G replaced by A.
Protein change: p.Gly284Asp; replaces glycine 284 with aspartic acid.
Molecular consequence: missense variant. On other transcripts: non-coding transcript variant (1).
Genome position (GRCh38, 1-based): chr4:185,504,529, C>T on the plus strand (G>A on the coding strand, the complement: PDLIM3 is on the minus strand). VCF-style: chr4-185504529-C-T. GRCh37 (hg19) VCF-style: chr4-186425683-C-T.
Other names: c.707G>A, p.Gly236Asp (NM_001114107.5); c.587G>A, p.Gly196Asp (NM_001257962.2); c.350G>A, p.Gly117Asp (NM_001257963.2); c.851G>A (NM_014476.4); short protein forms G196D, G236D, G117D, G284D.
Identifiers: ClinVar variation 2199716 (VCV002199716.7), dbSNP rs778768787, ClinGen allele CA3159667.

ClinVar aggregate classification (germline): Uncertain significance. Review status: criteria provided, multiple submitters, no conflicts (2 of 4 stars). 2 submissions from 2 submitters: Uncertain significance (2). Last evaluated 2025-05-18.

Conditions:
Hypertrophic cardiomyopathy. Also called: HYPERTROPHIC MYOCARDIOPATHY. Identifiers: Orphanet 217569, MedGen C0007194, MeSH D002312, MONDO:0005045, HP:0001639.
Primary dilated cardiomyopathy (DCM). Also called: Dilated Cardiomyopathy. Identifiers: Orphanet 217604, MedGen C0007193, MeSH D002311, MONDO:0005021, HP:0001644. Inheritance: Various modes of inheritance.

Allele frequency attached by ClinVar (database versions not stated): gnomAD exomes below 0.00001; ExAC 0.00001.
gnomAD v4.1: 2 of 1,614,240 alleles (0.00012%); highest among the groups gnomAD compares: Non-Finnish European, 0.00017%; no homozygotes.

Submissions (2):

Ambry Genetics
Classification: Uncertain significance. Last evaluated: 2025-05-18. Review status: criteria provided, single submitter. Criteria: Ambry Variant Classification Scheme 2023. Collection method: clinical testing. Allele origin: germline.
Comment: The p.G284D variant (also known as c.851G>A), located in coding exon 7 of the PDLIM3 gene, results from a G to A substitution at nucleotide position 851. The glycine at codon 284 is replaced by aspartic acid, an amino acid with similar properties. This amino acid position is conserved. In addition, this alteration is predicted to be tolerated by in silico analysis. Based on the available evidence, the clinical significance of this variant remains unclear.

Labcorp Genetics (formerly Invitae), Labcorp
Classification: Uncertain significance for Hypertrophic cardiomyopathy; Primary dilated cardiomyopathy. Last evaluated: 2024-10-21. Review status: criteria provided, single submitter. Criteria: Invitae Variant Classification Sherloc (09022015). Collection method: clinical testing. Allele origin: germline.
Comment: This sequence change replaces glycine, which is neutral and non-polar, with aspartic acid, which is acidic and polar, at codon 284 of the PDLIM3 protein (p.Gly284Asp). This variant is present in population databases (rs778768787, gnomAD 0.0009%). This variant has not been reported in the literature in individuals affected with PDLIM3-related conditions. ClinVar contains an entry for this variant (Variation ID: 2199716). Invitae Evidence Modeling of protein sequence and biophysical properties (such as structural, functional, and spatial information, amino acid conservation, physicochemical variation, residue mobility, and thermodynamic stability) indicates that this missense variant is not expected to disrupt PDLIM3 protein function with a negative predictive value of 80%. In summary, the available evidence is currently insufficient to determine the role of this variant in disease. Therefore, it has been classified as a Variant of Uncertain Significance.